The following is an entry in ClinVar:

NM_025219.3(DNAJC5):c.107G>A (p.Arg36Gln)

Gene: DNAJC5 (DnaJ heat shock protein family (Hsp40) member C5; plus strand). Cytogenetic location: 20q13.33.
Variant type: single nucleotide variant.
Coding change: c.107G>A on transcript NM_025219.3 (MANE Select); coding-DNA position 107, G replaced by A.
Protein change: p.Arg36Gln; replaces arginine 36 with glutamine.
Molecular consequence: missense variant.
Genome position (GRCh38, 1-based): chr20:63,928,452, G>A. VCF-style: chr20-63928452-G-A. GRCh37 (hg19) VCF-style: chr20-62559805-G-A.
Other names: short protein forms R36Q.
Identifiers: ClinVar variation 3006679 (VCV003006679.4), dbSNP rs2516794899, ClinGen allele CA409715662.

ClinVar aggregate classification (germline): Uncertain significance. Review status: criteria provided, multiple submitters, no conflicts (2 of 4 stars). 2 submissions from 2 submitters: Uncertain significance (2). Last evaluated 2023-10-16.

Conditions:
Neuronal ceroid lipofuscinosis. Also called: Neuronal Ceroid Lipofuscinoses. Identifiers: Orphanet 216, Orphanet 79263, MedGen C0027877, MONDO:0016295. Disease mechanism: loss of function.

Submissions (2):

Labcorp Genetics (formerly Invitae), Labcorp
Classification: Uncertain significance for Neuronal ceroid lipofuscinosis. Last evaluated: 2023-10-16. Review status: criteria provided, single submitter. Criteria: Invitae Variant Classification Sherloc (09022015). Collection method: clinical testing. Allele origin: germline.
Comment: This sequence change replaces arginine, which is basic and polar, with glutamine, which is neutral and polar, at codon 36 of the DNAJC5 protein (p.Arg36Gln). This variant also falls at the last nucleotide of exon 2, which is part of the consensus splice site for this exon. This variant is not present in population databases (gnomAD no frequency). This variant has not been reported in the literature in individuals affected with DNAJC5-related conditions. An algorithm developed to predict the effect of missense changes on protein structure and function (PolyPhen-2) suggests that this variant is likely to be disruptive. Variants that disrupt the consensus splice site are a relatively common cause of aberrant splicing (PMID: 17576681, 9536098). In summary, the available evidence is currently insufficient to determine the role of this variant in disease. Therefore, it has been classified as a Variant of Uncertain Significance.

Blueprint Genetics
Classification: Uncertain significance. Last evaluated: 2023-09-21. Review status: criteria provided, single submitter. Criteria: ACMG Guidelines, 2015. Collection method: clinical testing. Allele origin: germline.

Literature cited by the submitters: PubMed 17576681 (cited by Labcorp Genetics (formerly Invitae), Labcorp); PubMed 9536098 (cited by Labcorp Genetics (formerly Invitae), Labcorp).